The following is an entry in ClinVar:

ClinVar aggregate classification (germline): Uncertain significance (0 of 4 stars; one submission).

Conditions:
CREBBP-related disorder. Also called: CREBBP-related condition; CREBBP-related disorders.

gnomAD v4.1: 1 of 1,612,780 alleles (0.000062%); highest among the groups gnomAD compares: Non-Finnish European, 0.000085%; no homozygotes.

Submission:

PreventionGenetics, part of Exact Sciences
Classification: Uncertain significance for CREBBP-related condition. Last evaluated: 2024-02-21. Review status: no assertion criteria provided. Collection method: clinical testing. Allele origin: germline.
Comment: The CREBBP c.6593T>A variant is predicted to result in the amino acid substitution p.Leu2198Gln. To our knowledge, this variant has not been reported in the literature or in a large population database, indicating this variant is rare. At this time, the clinical significance of this variant is uncertain due to the absence of conclusive functional and genetic evidence.

NM_004380.3(CREBBP):c.6593T>A (p.Leu2198Gln)

Gene: CREBBP (CREB binding lysine acetyltransferase; minus strand). Cytogenetic location: 16p13.3.
Variant type: single nucleotide variant.
Coding change: c.6593T>A on transcript NM_004380.3 (MANE Select); coding-DNA position 6593, T replaced by A.
Protein change: p.Leu2198Gln; replaces leucine 2198 with glutamine.
Molecular consequence: missense variant.
Genome position (GRCh38, 1-based): chr16:3,728,454, A>T on the plus strand (T>A on the coding strand, the complement: CREBBP is on the minus strand). VCF-style: chr16-3728454-A-T. GRCh37 (hg19) VCF-style: chr16-3778455-A-T.
Other names: c.6479T>A, p.Leu2160Gln (NM_001079846.1); short protein forms L2160Q, L2198Q.
Identifiers: ClinVar variation 3349378 (VCV003349378.1).